The following is an entry in ClinVar:

NM_001127208.3(TET2):c.1128G>T (p.Met376Ile)

Genes: TET2 (tet methylcytosine dioxygenase 2; plus strand), TET2-AS1 (TET2 antisense RNA 1; minus strand). Cytogenetic location: 4q24.
Variant type: single nucleotide variant.
Coding change: c.1128G>T on transcript NM_001127208.3 (MANE Select); coding-DNA position 1128, G replaced by T.
Protein change: p.Met376Ile; replaces methionine 376 with isoleucine.
Molecular consequence: missense variant.
Genome position (GRCh38, 1-based): chr4:105,235,070, G>T. VCF-style: chr4-105235070-G-T. GRCh37 (hg19) VCF-style: chr4-106156227-G-T.
Other names: c.1128G>T, p.Met376Ile (NM_017628.4); short protein forms M376I.
Identifiers: ClinVar variation 3967649 (VCV003967649.1).

ClinVar aggregate classification (germline): Uncertain significance (1 of 4 stars; one submission).

Submission:

Ambry Genetics
Classification: Uncertain significance. Last evaluated: 2025-05-19. Review status: criteria provided, single submitter. Criteria: Ambry Variant Classification Scheme 2023. Collection method: clinical testing. Allele origin: germline.
Comment: The p.M376I variant (also known as c.1128G>T), located in coding exon 1 of the TET2 gene, results from a G to T substitution at nucleotide position 1128. The methionine at codon 376 is replaced by isoleucine, an amino acid with highly similar properties. This amino acid position is conserved. In addition, this alteration is predicted to be tolerated by in silico analysis. Based on the available evidence, the clinical significance of this variant remains unclear.